The following is an entry in ClinVar:

NM_015450.3(POT1):c.1439A>T (p.His480Leu)

Gene: POT1 (protection of telomeres 1; minus strand). Cytogenetic location: 7q31.33.
Variant type: single nucleotide variant.
Coding change: c.1439A>T on transcript NM_015450.3 (MANE Select); coding-DNA position 1439, A replaced by T.
Protein change: p.His480Leu; replaces histidine 480 with leucine.
Molecular consequence: missense variant. On other transcripts: non-coding transcript variant (3).
Genome position (GRCh38, 1-based): chr7:124,835,345, T>A on the plus strand (A>T on the coding strand, the complement: POT1 is on the minus strand). VCF-style: chr7-124835345-T-A. GRCh37 (hg19) VCF-style: chr7-124475399-T-A.
Other names: c.1046A>T, p.His349Leu (NM_001042594.2); short protein forms H480L, H349L.
Identifiers: ClinVar variation 4141939 (VCV004141939.1).

ClinVar aggregate classification (germline): Uncertain significance (1 of 4 stars; one submission).

Conditions:
Hereditary cancer-predisposing syndrome. Also called: Hereditary neoplastic syndrome; Neoplastic Syndromes, Hereditary; Tumor predisposition; Hereditary Cancer Syndrome. Identifiers: Orphanet 140162, MedGen C0027672, MeSH D009386, MONDO:0015356.

Submission:

Ambry Genetics
Classification: Uncertain significance for Hereditary cancer-predisposing syndrome. Last evaluated: 2025-07-24. Review status: criteria provided, single submitter. Criteria: Ambry Variant Classification Scheme 2023. Collection method: clinical testing. Allele origin: germline.
Comment: The p.H480L variant (also known as c.1439A>T), located in coding exon 11 of the POT1 gene, results from an A to T substitution at nucleotide position 1439. The histidine at codon 480 is replaced by leucine, an amino acid with similar properties. This amino acid position is conserved. In addition, this alteration is predicted to be tolerated by in silico analysis. Based on the available evidence, the clinical significance of this variant remains unclear.